The following is an entry in ClinVar:

ClinVar aggregate classification (germline): Uncertain significance (1 of 4 stars; one submission).

Submission:

Labcorp Genetics (formerly Invitae), Labcorp
Classification: Uncertain significance. Last evaluated: 2020-12-17. Review status: criteria provided, single submitter. Criteria: Invitae Variant Classification Sherloc (09022015). Collection method: clinical testing. Allele origin: germline.
Comment: Algorithms developed to predict the effect of missense changes on protein structure and function are either unavailable or do not agree on the potential impact of this missense change (SIFT: "Deleterious"; PolyPhen-2: "Benign"; Align-GVGD: "Class C0"). This variant has not been reported in the literature in individuals with ERBIN-related conditions. This variant is not present in population databases (ExAC no frequency). This sequence change replaces glycine with aspartic acid at codon 973 of the ERBIN protein (p.Gly973Asp). The glycine residue is moderately conserved and there is a moderate physicochemical difference between glycine and aspartic acid. In summary, the available evidence is currently insufficient to determine the role of this variant in disease. Therefore, it has been classified as a Variant of Uncertain Significance.

NM_001253697.2(ERBIN):c.2918G>A (p.Gly973Asp)

Gene: ERBIN (erbb2 interacting protein; plus strand). Cytogenetic location: 5q12.3.
Variant type: single nucleotide variant.
Coding change: c.2918G>A on transcript NM_001253697.2 (MANE Select); coding-DNA position 2918, G replaced by A.
Protein change: p.Gly973Asp; replaces glycine 973 with aspartic acid.
Molecular consequence: missense variant.
Genome position (GRCh38, 1-based): chr5:66,054,236, G>A. VCF-style: chr5-66054236-G-A. GRCh37 (hg19) VCF-style: chr5-65350064-G-A.
Other names: c.2918G>A, p.Gly973Asp (NM_001006600.3, NM_001253698.2, NM_001253699.2 and 1 more transcripts); c.2906G>A, p.Gly969Asp (NM_001253701.2); short protein forms G969D, G973D.
Identifiers: ClinVar variation 1508755 (VCV001508755.8), dbSNP rs2151239882, ClinGen allele CA359868218.
Genomic context (GRCh38, chr5:66,054,236, plus strand): 5'-AAGAGCCAAATATAATAAGAGGCCCCACAAGTGGCCCACAATCTGCACCTCAAATATATG[G>A]TCCTCCACAGTATAATATCCAATACAGTAGCAGTGCTGCAGTCAAAGACACTTTGTGGCA-3'
Protein context (NP_001240626.1, residues 963-983): SGPQSAPQIY[Gly973Asp]PPQYNIQYSS